The following is an entry in ClinVar:

ClinVar aggregate classification (germline): Uncertain significance (1 of 4 stars; one submission).

Conditions:
Hereditary cancer-predisposing syndrome. Also called: Neoplastic Syndromes, Hereditary; Hereditary Cancer Syndrome; Tumor predisposition; Hereditary neoplastic syndrome. Identifiers: Orphanet 140162, MedGen C0027672, MeSH D009386, MONDO:0015356.

Submission:

Ambry Genetics
Classification: Uncertain significance for Hereditary cancer-predisposing syndrome. Last evaluated: 2025-01-20. Review status: criteria provided, single submitter. Criteria: Ambry Variant Classification Scheme 2023. Collection method: clinical testing. Allele origin: germline.
Comment: The p.S609N variant (also known as c.1826G>A), located in coding exon 16 of the TSC2 gene, results from a G to A substitution at nucleotide position 1826. The serine at codon 609 is replaced by asparagine, an amino acid with highly similar properties. This amino acid position is conserved. In addition, the in silico prediction for this alteration is inconclusive. Based on the available evidence, the clinical significance of this variant remains unclear.

NM_000548.5(TSC2):c.1826G>A (p.Ser609Asn)

Gene: TSC2 (TSC complex subunit 2; plus strand). Cytogenetic location: 16p13.3.
Variant type: single nucleotide variant.
Coding change: c.1826G>A on transcript NM_000548.5 (MANE Select); coding-DNA position 1826, G replaced by A.
Protein change: p.Ser609Asn; replaces serine 609 with asparagine.
Molecular consequence: missense variant. On other transcripts: non-coding transcript variant (5).
Genome position (GRCh38, 1-based): chr16:2,070,565, G>A. VCF-style: chr16-2070565-G-A. GRCh37 (hg19) VCF-style: chr16-2120566-G-A.
Other names: c.1826G>A, p.Ser609Asn (NM_001077183.3, NM_001114382.3, NM_001363528.2 and 6 more transcripts); c.1715G>A, p.Ser572Asn (NM_001318827.2, NM_001406670.1, NM_001406678.1); c.1679G>A, p.Ser560Asn (NM_001318829.2, NM_001406675.1, NM_001406676.1 and 1 more transcripts); c.1226G>A, p.Ser409Asn (NM_001318831.2, NM_001406680.1, NM_001406682.1 and 6 more transcripts); c.1859G>A, p.Ser620Asn (NM_001318832.2); c.1916G>A, p.Ser639Asn (NM_001406667.1, NM_001406668.1); c.1814G>A, p.Ser605Asn (NM_001406671.1, NM_001406673.1); c.1769G>A, p.Ser590Asn (NM_001406677.1); and 3 more; short protein forms S409N, S572N, S590N, S639N, S455N, S161N, S560N, S605N.
Identifiers: ClinVar variation 3811345 (VCV003811345.1).
Genomic context (GRCh38, chr16:2,070,565, plus strand): 5'-TGCTGGTCAGCCACATTCAGCTCCACTACAAGCACAGCTACACCCTGCCAATCGCGAGCA[G>A]CATCCGGCTGCAGGTATGGTGGCTGGGGTTGCGCAGCCAGTTCCTGGGGGCCCAGCCAGG-3'
Protein context (NP_000539.2, residues 599-619): KHSYTLPIAS[Ser609Asn]IRLQAFDFLL